The following is an entry in ClinVar:

ClinVar aggregate classification (germline): Uncertain significance (1 of 4 stars; one submission).

Allele frequency attached by ClinVar (database versions not stated): gnomAD exomes 0.00002 and 0.00005; gnomAD 0.00003; ExAC 0.00007; ESP Exome Variant Server 0.00008.
gnomAD v4.1: 40 of 1,613,590 alleles (0.0025%); highest among the groups gnomAD compares: Middle Eastern, 0.033%; 1 homozygote.

Submission:

Labcorp Genetics (formerly Invitae), Labcorp
Classification: Uncertain significance. Last evaluated: 2024-08-28. Review status: criteria provided, single submitter. Criteria: Invitae Variant Classification Sherloc (09022015). Collection method: clinical testing. Allele origin: germline.
Comment: This sequence change replaces alanine, which is neutral and non-polar, with valine, which is neutral and non-polar, at codon 607 of the TTC37 protein (p.Ala607Val). This variant is present in population databases (rs373485338, gnomAD 0.01%). This variant has not been reported in the literature in individuals affected with TTC37-related conditions. ClinVar contains an entry for this variant (Variation ID: 1405377). An algorithm developed to predict the effect of missense changes on protein structure and function (PolyPhen-2) suggests that this variant is likely to be disruptive. In summary, the available evidence is currently insufficient to determine the role of this variant in disease. Therefore, it has been classified as a Variant of Uncertain Significance.

NM_014639.4(SKIC3):c.1820C>T (p.Ala607Val)

Gene: SKIC3 (SKI3 subunit of superkiller complex; minus strand). Cytogenetic location: 5q15.
Variant type: single nucleotide variant.
Coding change: c.1820C>T on transcript NM_014639.4 (MANE Select); coding-DNA position 1820, C replaced by T.
Protein change: p.Ala607Val; replaces alanine 607 with valine.
Molecular consequence: missense variant.
Genome position (GRCh38, 1-based): chr5:95,522,245, G>A on the plus strand (C>T on the coding strand, the complement: SKIC3 is on the minus strand). VCF-style: chr5-95522245-G-A. GRCh37 (hg19) VCF-style: chr5-94857949-G-A.
Other names: short protein forms A607V.
Identifiers: ClinVar variation 1405377 (VCV001405377.6), dbSNP rs373485338, ClinGen allele CA3347227.
Genomic context (GRCh38, chr5:95,522,245, plus strand): 5'-AGCTCACTGGCTTTTGTGAAGGACTTCAAGGCTGTTGTGTAGCCTCCTCTGCTTAAGTAT[G>A]CTTCTCCTAACGATTCCCAACAATTGAAGTCCTTTGGGTCTGCTCTTAATGCTGCCTGTA-3'
Protein context (NP_055454.1, residues 597-617): DFNCWESLGE[Ala607Val]YLSRGGYTTA